The following is an entry in ClinVar:

ClinVar aggregate classification (germline): Likely pathogenic (1 of 4 stars; one submission).

Conditions:
Retinitis pigmentosa 25 (RP25). Identifiers: Orphanet 791, MedGen C1864446, MONDO:0011272, OMIM 602772.

Submission:

Natera, Inc.
Classification: Likely pathogenic for Retinitis pigmentosa type 25. Last evaluated: 2024-08-26. Review status: criteria provided, single submitter. Criteria: Natera Variant Classification Schema (03/2026). Collection method: clinical testing. Allele origin: germline.
Comment: The c.999_1002del variant in EYS is a frameshift variant predicted to shift the reading frame beginning at codon 335 and leads to a stop codon 3 codons downstream. This variant is expected to result in nonsense mediated decay, truncation, or a dysfunctional protein product. This variant is rare in the general population with a frequency below the threshold expected for the associated phenotype(s). Given the available evidence, this variant is classified as Likely Pathogenic.

NM_001142800.2(EYS):c.999_1002del (p.Glu335fs)

Gene: EYS (EGF-like photoreceptor maintenance factor; minus strand). Cytogenetic location: 6q12.
Variant type: Deletion.
Coding change: c.999_1002del on transcript NM_001142800.2 (MANE Select); coding-DNA positions 999 to 1002, 4 bases deleted (CAGT; older notation c.999_1002delCAGT).
Protein change: p.Glu335fs; shifts the reading frame from glutamic acid 335.
Molecular consequence: frameshift variant.
Genome position (GRCh38, 1-based): chr6:65,405,228-65,405,231, ACTG deleted on the plus strand (CAGT on the coding strand, the reverse complement: EYS is on the minus strand); deleting any 4 consecutive bases within chr6:65,405,228-65,405,233 gives the same sequence; the c. name uses the placement nearest the transcript's 3' end. VCF-style (leftmost placement, unchanged base first): chr6-65405227-CACTG-C. GRCh37 (hg19) VCF-style: chr6-66115120-CACTG-C.
Other names: c.999_1002del, p.Glu335fs (NM_001142801.2, NM_001292009.2, NM_198283.2); short protein forms E335fs.
Identifiers: ClinVar variation 4814671 (VCV004814671.1).